The following is an entry in ClinVar:

ClinVar aggregate classification (germline): Likely benign. Review status: reviewed by expert panel (3 of 4 stars). 3 submissions from 3 submitters: Likely benign (1). 2 of the submissions do not count toward it. Last evaluated 2017-06-29.

Conditions:
Hereditary cancer-predisposing syndrome. Also called: Hereditary neoplastic syndrome; Hereditary Cancer Syndrome; Neoplastic Syndromes, Hereditary; Tumor predisposition. Identifiers: Orphanet 140162, MedGen C0027672, MeSH D009386, MONDO:0015356.
Breast-ovarian cancer, familial, susceptibility to, 2 (BROVCA2). Also called: BRCA2 Hereditary Breast and Ovarian Cancer. Identifiers: Orphanet 145, MedGen C2675520, MONDO:0012933, OMIM 612555. Disease mechanism: loss of function.
Hereditary breast ovarian cancer syndrome. Also called: Hereditary breast and ovarian cancer syndrome; BRCA1- and BRCA2-Associated Hereditary Breast and Ovarian Cancer; Hereditary breast and/or ovarian cancer syndrome; Hereditary breast and ovarian cancer; Breast and ovarian cancer; Hereditary breast and ovarian cancer syndrome (HBOC). Identifiers: Orphanet 145, MedGen C0677776, MeSH D061325, MONDO:0003582. Disease mechanism: loss of function.

Submissions (3):

Evidence-based Network for the Interpretation of Germline Mutant Alleles (ENIGMA)
Classification: Likely benign for Breast-ovarian cancer, familial, susceptibility to, 2. Last evaluated: 2017-06-29. Review status: reviewed by expert panel. Criteria: ENIGMA BRCA1/2 Classification Criteria (2017-06-29). Collection method: curation. Allele origin: germline.
Comment: Synonymous substitution variant, with low bioinformatic likelihood to result in a splicing aberration (Splicing prior probability 0.02).

Labcorp Genetics (formerly Invitae), Labcorp
Classification: Likely benign for Hereditary breast ovarian cancer syndrome. Last evaluated: 2022-12-14. Review status: criteria provided, single submitter. Criteria: Invitae Variant Classification Sherloc (09022015). Collection method: clinical testing. Allele origin: germline. Not counted in ClinVar's aggregate classification.

Ambry Genetics
Classification: Likely benign for Hereditary cancer-predisposing syndrome. Last evaluated: 2022-04-07. Review status: criteria provided, single submitter. Criteria: Ambry Variant Classification Scheme 2023. Collection method: clinical testing. Allele origin: germline. Not counted in ClinVar's aggregate classification.

NM_000059.4(BRCA2):c.303C>T (p.Phe101=)

Gene: BRCA2 (BRCA2 DNA repair associated; plus strand). Cytogenetic location: 13q13.1.
Variant type: single nucleotide variant.
Coding change: c.303C>T on transcript NM_000059.4 (MANE Select); coding-DNA position 303, C replaced by T.
Protein change: p.Phe101=; no amino-acid change (phenylalanine 101 retained).
Molecular consequence: synonymous variant.
Genome position (GRCh38, 1-based): chr13:32,319,312, C>T. VCF-style: chr13-32319312-C-T. GRCh37 (hg19) VCF-style: chr13-32893449-C-T.
Identifiers: ClinVar variation 427471 (VCV000427471.8), dbSNP rs397507301, ClinGen allele CA483436064.